The following is an entry in ClinVar:

ClinVar aggregate classification (germline): Likely benign (1 of 4 stars; one submission).

Allele frequency attached by ClinVar (database versions not stated): 1000 Genomes Project 0.00379; 1000 Genomes Project 30x 0.00468.
gnomAD v4.1: 697 of 233,458 alleles (0.3%); highest among the groups gnomAD compares: African/African-American, 1.4%; 5 homozygotes.

Submission:

GeneDx
Classification: Likely benign. Last evaluated: 2021-05-14. Review status: criteria provided, single submitter. Criteria: GeneDx Variant Classification Process June 2021. Collection method: clinical testing. Allele origin: germline. Affected: yes.
Comment: See Variant Classification Assertion Criteria.

NM_000222.3(KIT):c.*839C>A

Gene: KIT (KIT proto-oncogene, receptor tyrosine kinase; plus strand). Cytogenetic location: 4q12.
Variant type: single nucleotide variant.
Coding change: c.*839C>A on transcript NM_000222.3 (MANE Select); 839 bases downstream of the stop codon, C replaced by A.
Molecular consequence: 3 prime UTR variant.
Genome position (GRCh38, 1-based): chr4:54,739,396, C>A. VCF-style: chr4-54739396-C-A. GRCh37 (hg19) VCF-style: chr4-55605562-C-A.
Other names: c.*839C>A (NM_001093772.2, NM_001385284.1, NM_001385285.1 and 4 more transcripts).
Identifiers: ClinVar variation 1699899 (VCV001699899.2), dbSNP rs183497667, ClinGen allele CA96884552.
Genomic context (GRCh38, chr4:54,739,396, plus strand): 5'-TTAAGAGCCATATAAGTTTGAAGGAAACAGTTAATACCATTTTTTAAGGAAACAATATAA[C>A]CACAAAGCACAGTTTGAACAAAATCTCCTCTTTTAGCTGATGAACTTATTCTGTAGATTC-3'